The following is an entry in ClinVar:

ClinVar aggregate classification (germline): Conflicting classifications of pathogenicity. Review status: criteria provided, conflicting classifications (1 of 4 stars). 3 submissions from 3 submitters: Uncertain significance (2); Likely benign (1). Last evaluated 2023-03-23.

Conditions:
Hereditary cancer-predisposing syndrome. Also called: Neoplastic Syndromes, Hereditary; Hereditary Cancer Syndrome; Tumor predisposition; Hereditary neoplastic syndrome. Identifiers: Orphanet 140162, MedGen C0027672, MeSH D009386, MONDO:0015356.
Hereditary breast ovarian cancer syndrome. Also called: Hereditary breast and ovarian cancer; Hereditary breast and ovarian cancer syndrome; Breast and ovarian cancer; BRCA1- and BRCA2-Associated Hereditary Breast and Ovarian Cancer; Hereditary breast and/or ovarian cancer syndrome; Hereditary breast and ovarian cancer syndrome (HBOC). Identifiers: Orphanet 145, MedGen C0677776, MeSH D061325, MONDO:0003582. Disease mechanism: loss of function.

Allele frequency attached by ClinVar (database versions not stated): gnomAD exomes below 0.00001.
gnomAD v4.1: 2 of 1,614,008 alleles (0.00012%); highest among the groups gnomAD compares: East Asian, 0.0045%; no homozygotes.

Submissions (3):

University of Washington Department of Laboratory Medicine, University of Washington
Classification: Likely benign for Hereditary cancer-predisposing syndrome. Last evaluated: 2023-03-23. Review status: criteria provided, single submitter. Criteria: Dines et al. (Genet Med. 2020). Collection method: curation. Allele origin: germline.
Comment: Missense variant in a coldspot region where missense variants are very unlikely to be pathogenic (PMID:31911673).

BRCA2 exon 11 coldspot. Reclassification based on statistical prior probability.

Labcorp Genetics (formerly Invitae), Labcorp
Classification: Uncertain significance for Hereditary breast ovarian cancer syndrome. Last evaluated: 2021-08-30. Review status: criteria provided, single submitter. Criteria: Invitae Variant Classification Sherloc (09022015). Collection method: clinical testing. Allele origin: germline.
Comment: In summary, the available evidence is currently insufficient to determine the role of this variant in disease. Therefore, it has been classified as a Variant of Uncertain Significance. Advanced modeling of protein sequence and biophysical properties (such as structural, functional, and spatial information, amino acid conservation, physicochemical variation, residue mobility, and thermodynamic stability) performed at Invitae indicates that this missense variant is not expected to disrupt BRCA2 protein function. ClinVar contains an entry for this variant (Variation ID: 993208). This variant has not been reported in the literature in individuals affected with BRCA2-related conditions. This variant is not present in population databases (ExAC no frequency). This sequence change replaces serine with glycine at codon 1554 of the BRCA2 protein (p.Ser1554Gly). The serine residue is weakly conserved and there is a small physicochemical difference between serine and glycine.

Quest Diagnostics Nichols Institute San Juan Capistrano
Classification: Uncertain significance. Last evaluated: 2020-02-27. Review status: criteria provided, single submitter. Criteria: Quest Diagnostics criteria. Collection method: clinical testing. Allele origin: unknown.

NM_000059.4(BRCA2):c.4660A>G (p.Ser1554Gly)

Gene: BRCA2 (BRCA2 DNA repair associated; plus strand). Cytogenetic location: 13q13.1.
Variant type: single nucleotide variant.
Coding change: c.4660A>G on transcript NM_000059.4 (MANE Select); coding-DNA position 4660, A replaced by G.
Protein change: p.Ser1554Gly; replaces serine 1554 with glycine.
Molecular consequence: missense variant.
Genome position (GRCh38, 1-based): chr13:32,339,015, A>G. VCF-style: chr13-32339015-A-G. GRCh37 (hg19) VCF-style: chr13-32913152-A-G.
Other names: short protein forms S1554G.
Identifiers: ClinVar variation 993208 (VCV000993208.8), dbSNP rs2072510232, ClinGen allele CA387782744.
Genomic context (GRCh38, chr13:32,339,015, plus strand): 5'-ATTGCAAAGGAATCTTTGGACAAAGTGAAAAACCTTTTTGATGAAAAAGAGCAAGGTACT[A>G]GTGAAATCACCAGTTTTAGCCATCAATGGGCAAAGACCCTAAAGTACAGAGAGGCCTGTA-3'
Protein context (NP_000050.3, residues 1544-1564): NLFDEKEQGT[Ser1554Gly]EITSFSHQWA